The following is an entry in ClinVar:

ClinVar aggregate classification (germline): Likely pathogenic (1 of 4 stars; one submission).

Conditions:
Familial focal epilepsy with variable foci (FPEVF). Identifiers: Orphanet 98820, MedGen C1858477, MONDO:0020310.

Submission:

Labcorp Genetics (formerly Invitae), Labcorp
Classification: Likely pathogenic for Familial focal epilepsy with variable foci. Last evaluated: 2021-11-08. Review status: criteria provided, single submitter. Criteria: Invitae Variant Classification Sherloc (09022015). Collection method: clinical testing. Allele origin: germline.
Comment: In summary, the currently available evidence indicates that the variant is pathogenic, but additional data are needed to prove that conclusively. Therefore, this variant has been classified as Likely Pathogenic. This variant has not been reported in the literature in individuals affected with DEPDC5-related conditions. This variant results in a copy number gain of the genomic region encompassing exon(s) 9-34 of the DEPDC5 gene. While the exact position of this variant cannot be determined from the data, sub-genic copy number gains are generally in tandem (PMID: 25640679). This variant is predicted to be out-of-frame, and may result in an absent or disrupted protein product. Loss-of-function variants in DEPDC5 are known to be pathogenic (PMID: 23542697, 23542701).

Literature cited by the submitters: PubMed 25640679; PubMed 23542697; PubMed 23542701.

NC_000022.10:g.(?_32179873)_(32266750_?)dup

Gene: DEPDC5 (DEP domain containing 5, GATOR1 subcomplex subunit; plus strand). Cytogenetic location: 22q12.2-12.3.
Variant type: Duplication.
Identifiers: ClinVar variation 1504611 (VCV001504611.3).